The following is an entry in ClinVar:

NM_001009944.3(PKD1):c.9788G>T (p.Trp3263Leu)

Gene: PKD1 (polycystin 1, transient receptor potential channel interacting; minus strand). Cytogenetic location: 16p13.3.
Variant type: single nucleotide variant.
Coding change: c.9788G>T on transcript NM_001009944.3 (MANE Select); coding-DNA position 9788, G replaced by T.
Protein change: p.Trp3263Leu; replaces tryptophan 3263 with leucine.
Molecular consequence: missense variant.
Genome position (GRCh38, 1-based): chr16:2,099,996, C>A on the plus strand (G>T on the coding strand, the complement: PKD1 is on the minus strand). VCF-style: chr16-2099996-C-A. GRCh37 (hg19) VCF-style: chr16-2149997-C-A.
Other names: c.9788G>T, p.Trp3263Leu (NM_000296.4); short protein forms W3263L.
Identifiers: ClinVar variation 3349527 (VCV003349527.1).

ClinVar aggregate classification (germline): Uncertain significance (0 of 4 stars; one submission).

Conditions:
PKD1-related disorder. Also called: PKD1-related condition.

Submission:

PreventionGenetics, part of Exact Sciences
Classification: Uncertain significance for PKD1-related condition. Last evaluated: 2024-03-07. Review status: no assertion criteria provided. Collection method: clinical testing. Allele origin: germline.
Comment: The PKD1 c.9788G>T variant is predicted to result in the amino acid substitution p.Trp3263Leu. To our knowledge, this variant has not been reported in the literature or in a large population database, indicating this variant is rare. Of note, different substitutions at the same codon have been reported in individuals with autosomal dominant polycystic kidney disease (ADPKD) (c.9789G>T, p.Trp3263Cys in Hu et al. 2021. PubMed ID: 34032358; c.9787T>C, p.Trp3263Arg in Rossetti et al. 2012. PubMed ID: 22383692). Although we suspect that the c.9788G>T (p.Trp3263Leu) variant may be pathogenic, at this time, the clinical significance of this variant is uncertain due to the absence of conclusive functional and genetic evidence.